The following is an entry in ClinVar:

NM_004525.3(LRP2):c.478A>G (p.Thr160Ala)

Gene: LRP2 (LDL receptor related protein 2; minus strand). Cytogenetic location: 2q31.1.
Variant type: single nucleotide variant.
Coding change: c.478A>G on transcript NM_004525.3 (MANE Select); coding-DNA position 478, A replaced by G.
Protein change: p.Thr160Ala; replaces threonine 160 with alanine.
Molecular consequence: missense variant.
Genome position (GRCh38, 1-based): chr2:169,294,660, T>C on the plus strand (A>G on the coding strand, the complement: LRP2 is on the minus strand). VCF-style: chr2-169294660-T-C. GRCh37 (hg19) VCF-style: chr2-170151170-T-C.
Other names: c.478A>G (NM_004525.2); short protein forms T160A.
Identifiers: ClinVar variation 1354628 (VCV001354628.6), dbSNP rs748258028, ClinGen allele CA1955854.

ClinVar aggregate classification (germline): Uncertain significance. Review status: criteria provided, multiple submitters, no conflicts (2 of 4 stars). 3 submissions from 3 submitters: Uncertain significance (3). Last evaluated 2025-12-09.

Conditions:
Inborn genetic diseases. Identifiers: MedGen C0950123, MeSH D030342.
Donnai-Barrow syndrome. Also called: DBS/FOAR SYNDROME; FACIOOCULOACOUSTICORENAL SYNDROME. Identifiers: Orphanet 2143, MedGen C1857277, MONDO:0009104, OMIM 222448.

Allele frequency attached by ClinVar (database versions not stated): gnomAD exomes below 0.00001; ExAC 0.00001; gnomAD 0.00004.
gnomAD v4.1: 12 of 1,604,116 alleles (0.00075%); highest among the groups gnomAD compares: African/African-American, 0.015%; no homozygotes.

Submissions (3):

Labcorp Genetics (formerly Invitae), Labcorp
Classification: Uncertain significance. Last evaluated: 2025-12-09. Review status: criteria provided, single submitter. Criteria: Invitae Variant Classification Sherloc (09022015). Collection method: clinical testing. Allele origin: germline.
Comment: This sequence change replaces threonine, which is neutral and polar, with alanine, which is neutral and non-polar, at codon 160 of the LRP2 protein (p.Thr160Ala). This variant is present in population databases (rs748258028, gnomAD 0.01%). This variant has not been reported in the literature in individuals affected with LRP2-related conditions. ClinVar contains an entry for this variant (Variation ID: 1354628). Invitae Evidence Modeling of protein sequence and biophysical properties (such as structural, functional, and spatial information, amino acid conservation, physicochemical variation, residue mobility, and thermodynamic stability) indicates that this missense variant is not expected to disrupt LRP2 protein function with a negative predictive value of 95%. In summary, the available evidence is currently insufficient to determine the role of this variant in disease. Therefore, it has been classified as a Variant of Uncertain Significance.

Ambry Genetics
Classification: Uncertain significance for Inborn genetic diseases. Last evaluated: 2025-08-09. Review status: criteria provided, single submitter. Criteria: Ambry Variant Classification Scheme 2023. Collection method: clinical testing. Allele origin: germline.

Fulgent Genetics
Classification: Uncertain significance for Donnai-Barrow syndrome. Last evaluated: 2022-05-23. Review status: criteria provided, single submitter. Criteria: ACMG Guidelines, 2015. Collection method: clinical testing. Allele origin: unknown.